The following is an entry in ClinVar:

NM_014915.3(ANKRD26):c.4499T>C (p.Phe1500Ser)

Gene: ANKRD26 (ankyrin repeat domain containing 26; minus strand). Cytogenetic location: 10p12.1.
Variant type: single nucleotide variant.
Coding change: c.4499T>C on transcript NM_014915.3 (MANE Select); coding-DNA position 4499, T replaced by C.
Protein change: p.Phe1500Ser; replaces phenylalanine 1500 with serine.
Molecular consequence: missense variant.
Genome position (GRCh38, 1-based): chr10:27,017,509, A>G on the plus strand (T>C on the coding strand, the complement: ANKRD26 is on the minus strand). VCF-style: chr10-27017509-A-G. GRCh37 (hg19) VCF-style: chr10-27306438-A-G.
Other names: c.4496T>C, p.Phe1499Ser (NM_001256053.2); short protein forms F1499S, F1500S.
Identifiers: ClinVar variation 3869962 (VCV003869962.1).
Genomic context (GRCh38, chr10:27,017,509, plus strand): 5'-CCAAAATACAATTTGCAGTGAAATGAACAAAGGCACACTACACATAAGCTAACCTGTAAA[A>G]ATAGATTGACTTCTTTTAATTTTTCTGCTATTTCCTGTCTTGCTCTTTCTTCAATCTCCT-3'
Protein context (NP_055730.2, residues 1490-1510): IAEKLKEVNL[Phe1500Ser]LQAQAASQEN

ClinVar aggregate classification (germline): Uncertain significance (1 of 4 stars; one submission).

Conditions:
Inborn genetic diseases. Identifiers: MedGen C0950123, MeSH D030342.

Submission:

Ambry Genetics
Classification: Uncertain significance for Inborn genetic diseases. Last evaluated: 2025-01-04. Review status: criteria provided, single submitter. Criteria: Ambry Variant Classification Scheme 2023. Collection method: clinical testing. Allele origin: germline.
Comment: The p.F1500S variant (also known as c.4499T>C), located in coding exon 30 of the ANKRD26 gene, results from a T to C substitution at nucleotide position 4499. The phenylalanine at codon 1500 is replaced by serine, an amino acid with highly dissimilar properties. This amino acid position is conserved. In addition, the in silico prediction for this alteration is inconclusive. Based on the available evidence, the clinical significance of this variant remains unclear.